The following is an entry in ClinVar:

NM_015259.6(ICOSLG):c.825G>C (p.Trp275Cys)

Gene: ICOSLG (inducible T cell costimulator ligand; minus strand). Cytogenetic location: 21q22.3.
Variant type: single nucleotide variant.
Coding change: c.825G>C on transcript NM_015259.6 (MANE Select); coding-DNA position 825, G replaced by C.
Protein change: p.Trp275Cys; replaces tryptophan 275 with cysteine.
Molecular consequence: missense variant.
Genome position (GRCh38, 1-based): chr21:44,231,317, C>G on the plus strand (G>C on the coding strand, the complement: ICOSLG is on the minus strand). VCF-style: chr21-44231317-C-G. GRCh37 (hg19) VCF-style: chr21-45651200-C-G.
Other names: c.825G>C, p.Trp275Cys (NM_001283050.2, NM_001395918.1); c.474G>C, p.Trp158Cys (NM_001283051.2); c.570G>C, p.Trp190Cys (NM_001283052.2); c.744G>C, p.Trp248Cys (NM_001365759.2); c.825G>C (NM_015259.4); short protein forms W190C, W248C, W275C, W158C.
Identifiers: ClinVar variation 1967991 (VCV001967991.6), dbSNP rs1231148115, ClinGen allele CA410613262.

ClinVar aggregate classification (germline): Uncertain significance. Review status: criteria provided, multiple submitters, no conflicts (2 of 4 stars). 2 submissions from 2 submitters: Uncertain significance (2). Last evaluated 2025-10-07.

Submissions (2):

Ambry Genetics
Classification: Uncertain significance. Last evaluated: 2025-10-07. Review status: criteria provided, single submitter. Criteria: Ambry Variant Classification Scheme 2023. Collection method: clinical testing. Allele origin: germline.

Labcorp Genetics (formerly Invitae), Labcorp
Classification: Uncertain significance. Last evaluated: 2025-02-01. Review status: criteria provided, single submitter. Criteria: Invitae Variant Classification Sherloc (09022015). Collection method: clinical testing. Allele origin: germline.
Comment: This sequence change replaces tryptophan, which is neutral and slightly polar, with cysteine, which is neutral and slightly polar, at codon 275 of the ICOSLG protein (p.Trp275Cys). This variant is not present in population databases (gnomAD no frequency). This variant has not been reported in the literature in individuals affected with ICOSLG-related conditions. ClinVar contains an entry for this variant (Variation ID: 1967991). An algorithm developed to predict the effect of missense changes on protein structure and function outputs the following: PolyPhen-2: "Benign". The cysteine amino acid residue is found in multiple mammalian species, which suggests that this missense change does not adversely affect protein function. In summary, the available evidence is currently insufficient to determine the role of this variant in disease. Therefore, it has been classified as a Variant of Uncertain Significance.